The following is an entry in ClinVar:

NC_000009.11:g.(?_102866804)_(103035378_?)dup

Gene: INVS (inversin; plus strand). Cytogenetic location: 9q31.1.
Variant type: Duplication.
Identifiers: ClinVar variation 1042383 (VCV001042383.5).

ClinVar aggregate classification (germline): Uncertain significance (1 of 4 stars; one submission).

Conditions:
Nephronophthisis. Also called: Juvenile Nephronophthisis. Identifiers: Orphanet 655, MedGen C0687120, MONDO:0019005, HP:0000090.

Submission:

Labcorp Genetics (formerly Invitae), Labcorp
Classification: Uncertain significance for Nephronophthisis. Last evaluated: 2022-07-12. Review status: criteria provided, single submitter. Criteria: Invitae Variant Classification Sherloc (09022015). Collection method: clinical testing. Allele origin: germline.
Comment: This variant results in a copy number gain of the genomic region encompassing exon(s) 2-12 of the INVS gene. This region includes the initiator codon of the gene. This copy number gain extends beyond the assayed region for this gene and therefore may encompass additional genes. As the precise location of this event is unknown, it may be in tandem or it may be located elsewhere in the genome. This variant has not been reported in the literature in individuals affected with INVS-related conditions. In summary, the available evidence is currently insufficient to determine the role of this variant in disease. Therefore, it has been classified as a Variant of Uncertain Significance.